The following is an entry in ClinVar:

NM_003901.4(SGPL1):c.1399A>G (p.Met467Val)

Gene: SGPL1 (sphingosine-1-phosphate lyase 1; plus strand). Cytogenetic location: 10q22.1.
Variant type: single nucleotide variant.
Coding change: c.1399A>G on transcript NM_003901.4 (MANE Select); coding-DNA position 1399, A replaced by G.
Protein change: p.Met467Val; replaces methionine 467 with valine.
Molecular consequence: missense variant.
Genome position (GRCh38, 1-based): chr10:70,875,502, A>G. VCF-style: chr10-70875502-A-G. GRCh37 (hg19) VCF-style: chr10-72635259-A-G.
Other names: short protein forms M467V.
Identifiers: ClinVar variation 1940617 (VCV001940617.2), dbSNP rs777266716, ClinGen allele CA5541456.

ClinVar aggregate classification (germline): Uncertain significance (1 of 4 stars; one submission).

Allele frequency attached by ClinVar (database versions not stated): ExAC 0.00001; TOPMed 0.00001; gnomAD 0.00002; gnomAD exomes 0.00004.
gnomAD v4.1: 62 of 1,613,492 alleles (0.0038%); highest among the groups gnomAD compares: Non-Finnish European, 0.005%; no homozygotes.

Submission:

Labcorp Genetics (formerly Invitae), Labcorp
Classification: Uncertain significance. Last evaluated: 2022-06-23. Review status: criteria provided, single submitter. Criteria: Invitae Variant Classification Sherloc (09022015). Collection method: clinical testing. Allele origin: germline.
Comment: This sequence change replaces methionine, which is neutral and non-polar, with valine, which is neutral and non-polar, at codon 467 of the SGPL1 protein (p.Met467Val). This variant is present in population databases (rs777266716, gnomAD 0.004%). This variant has not been reported in the literature in individuals affected with SGPL1-related conditions. Algorithms developed to predict the effect of missense changes on protein structure and function are either unavailable or do not agree on the potential impact of this missense change (SIFT: "Deleterious"; PolyPhen-2: "Benign"; Align-GVGD: "Class C0"). In summary, the available evidence is currently insufficient to determine the role of this variant in disease. Therefore, it has been classified as a Variant of Uncertain Significance.